The following is an entry in ClinVar:

NM_000535.7(PMS2):c.803_804insAAATA (p.Tyr268Ter)

Gene: PMS2 (PMS1 homolog 2, mismatch repair system component; minus strand). Cytogenetic location: 7p22.1.
Variant type: Insertion.
Coding change: c.803_804insAAATA on transcript NM_000535.7 (MANE Select); coding-DNA positions 803 to 804, AAATA inserted.
Protein change: p.Tyr268Ter; replaces tyrosine 268 with a stop codon.
Molecular consequence: nonsense. On other transcripts: frameshift variant (45), 5 prime UTR variant (2), non-coding transcript variant (1).
Genome position: GRCh38 VCF-style: chr7-5997325-C-CTATTT. GRCh37 (hg19) VCF-style: chr7-6036956-C-CTATTT.
Other names: c.803_803+1insAAATA (NM_000535.5); c.396_397insTAAAA, p.Tyr133Terfs (NM_001018040.1, NM_001406887.1, NM_001406888.1 and 15 more transcripts); c.398_399insAAATA, p.Tyr133Ter (NM_001322003.2, NM_001322004.2, NM_001322005.2 and 2 more transcripts); c.803_804insAAATA, p.Tyr268Ter (NM_001322006.2, NM_001322014.2); c.485_486insAAATA, p.Tyr162Ter (NM_001322007.2, NM_001322008.2); c.-131_-130insAAATA (NM_001322011.2, NM_001322012.2); c.230_231insAAATA, p.Tyr77Ter (NM_001322013.2); c.494_495insAAATA, p.Tyr165Ter (NM_001322015.2); and 10 more; short protein forms Y133*, Y77*, Y268*, Y162*, Y165*.
Identifiers: ClinVar variation 1761739 (VCV001761739.2), dbSNP rs2536215574, ClinGen allele CA2580076846.
Genomic context (GRCh38, chr7:5,997,325, plus strand): 5'-AAAAAAAAAGCTCTCAGGATAAAATGTTCAATTGTAGTTCTCTTGCCAGCAATCTACTTA[C>CTATTT]TAAAAAAGATTATGCAGAGCATCGGAACAGCTCAAACCGTACTCTTCACACACGGAGTCA-3'

ClinVar aggregate classification (germline): Pathogenic (1 of 4 stars; one submission).

Conditions:
Hereditary cancer-predisposing syndrome. Also called: Neoplastic Syndromes, Hereditary; Tumor predisposition; Hereditary Cancer Syndrome; Hereditary neoplastic syndrome. Identifiers: Orphanet 140162, MedGen C0027672, MeSH D009386, MONDO:0015356.

Submission:

Ambry Genetics
Classification: Pathogenic for Hereditary cancer-predisposing syndrome. Last evaluated: 2017-09-12. Review status: criteria provided, single submitter. Criteria: Ambry Variant Classification Scheme 2023. Collection method: clinical testing. Allele origin: germline.
Comment: The p.Y268* pathogenic mutation (also known as c.803_803+1insAAATA) results from an insertion of five nucleotides at position 803+1, which is one nucleotide after coding exon 7. This nucleotide position is highly conserved in available vertebrate species. Using the BDGP and ESEfinder splice site prediction tools, the native donor splice site is shifted downstream five nucleotides resulting in a translational frameshift with a predicted alternate stop codon (p.Y268*). This alteration is expected to result in loss of function by premature protein truncation or nonsense-mediated mRNA decay. As such, this alteration is interpreted as a disease-causing mutation.